The following is an entry in ClinVar:

ClinVar aggregate classification (germline): Pathogenic (1 of 4 stars; one submission).

Conditions:
POLG-related disorder. Also called: POLG-Related Spectrum Disorders; POLG-related condition; POLG-Related Disorders. Identifiers: MedGen C4763519.

Submission:

Myriad Genetics, Inc.
Classification: Pathogenic for POLG-related disorder. Last evaluated: 2025-12-08. Review status: criteria provided, single submitter. Criteria: Myriad Autosomal Dominant, Autosomal Recessive and X-Linked Classification Criteria (2023). Collection method: clinical testing. Allele origin: unknown.
Comment: NM_002693.2(POLG):c.3032dupC(V1012Sfs*5) is expected to be pathogenic in the context of POLG-related disorders. This variant is predicted to lead to an abnormal or absent protein product due to the creation of a premature termination codon in POLG, a gene where loss-of-function variants are known to be pathogenic. Please note: this variant was assessed in the context of healthy population screening.

NM_002693.3(POLG):c.3032dup (p.Val1012fs)

Gene: POLG (DNA polymerase gamma, catalytic subunit; minus strand). Cytogenetic location: 15q26.1.
Variant type: Duplication.
Coding change: c.3032dup on transcript NM_002693.3 (MANE Select); coding-DNA position 3032, one base duplicated (C; older notation c.3032dupC).
Protein change: p.Val1012fs; shifts the reading frame from valine 1012.
Molecular consequence: frameshift variant.
Genome position (GRCh38, 1-based): chr15:89,319,300, G duplicated on the plus strand (C on the coding strand, the reverse complement: POLG is on the minus strand); the first of 3 consecutive G bases (chr15:89,319,300-89,319,302); duplicating any one gives the same sequence. VCF-style (leftmost placement, unchanged base first): chr15-89319299-T-TG. GRCh37 (hg19) VCF-style: chr15-89862530-T-TG.
Other names: c.3032dup, p.Val1012fs (NM_001126131.2); short protein forms V1012fs.
Identifiers: ClinVar variation 5015297 (VCV005015297.1).